The following is an entry in ClinVar:

NM_153704.6(TMEM67):c.1869delinsTATGAGC (p.Gln623delinsHisMetSer)

Gene: TMEM67 (transmembrane protein 67; plus strand). Cytogenetic location: 8q22.1.
Variant type: Indel.
Coding change: c.1869delinsTATGAGC on transcript NM_153704.6 (MANE Select); coding-DNA position 1869, A replaced by TATGAGC.
Protein change: p.Gln623delinsHisMetSer.
Molecular consequence: inframe indel. On other transcripts: non-coding transcript variant (1).
Genome position (GRCh38, 1-based): chr8:93,797,142, A replaced by TATGAGC. VCF-style: chr8-93797142-A-TATGAGC. GRCh37 (hg19) VCF-style: chr8-94809370-A-TATGAGC.
Other names: c.1626delinsTATGAGC, p.Gln542delinsHisMetSer (NM_001142301.1); c.1869delAinsTATGAGC, p.Gln623delinsHisMetSer (NM_153704.5).
Identifiers: ClinVar variation 4996764 (VCV004996764.1).
Genomic context (GRCh38, chr8:93,797,142, plus strand): 5'-GCAGACTTAACGCTGGTACTTTTTCAGGTGTTTTATTATATGTCATTCTCAGGCACTACA[A>TATGAGC]TTTTTGCATAAGCTCATATCCCAGATTACAATAGATGTATTCTTTATTGATTGGGAGCGA-3'

ClinVar aggregate classification (germline): Uncertain significance (1 of 4 stars; one submission).

Conditions:
TMEM67-related disorder. Also called: TMEM67-related disorders; TMEM67-related condition. Identifiers: MedGen CN239423.

Submission:

PreventionGenetics, part of Exact Sciences
Classification: Uncertain significance for TMEM67-related condition. Last evaluated: 2025-08-06. Review status: criteria provided, single submitter. Criteria: ACMG Guidelines, 2015. Collection method: clinical testing. Allele origin: germline.
Comment: The TMEM67 c.1869delinsTATGAGC variant is predicted to result in an in-frame deletion and insertion. To our knowledge, this variant has not been reported in the literature or in a large population database (gnomAD), indicating this variant is rare. At this time, the clinical significance of this variant is uncertain due to the absence of conclusive functional and genetic evidence.